The following is an entry in ClinVar:

NM_001036.6(RYR3):c.11296G>A (p.Val3766Ile)

Gene: RYR3 (ryanodine receptor 3; plus strand). Cytogenetic location: 15q14.
Variant type: single nucleotide variant.
Coding change: c.11296G>A on transcript NM_001036.6 (MANE Select); coding-DNA position 11296, G replaced by A.
Protein change: p.Val3766Ile; replaces valine 3766 with isoleucine.
Molecular consequence: missense variant.
Genome position (GRCh38, 1-based): chr15:33,827,249, G>A. VCF-style: chr15-33827249-G-A. GRCh37 (hg19) VCF-style: chr15-34119450-G-A.
Other names: c.11281G>A, p.Val3761Ile (NM_001243996.4); short protein forms V3766I, V3761I.
Identifiers: ClinVar variation 577116 (VCV000577116.12), dbSNP rs140386682, ClinGen allele CA7461195.

ClinVar aggregate classification (germline): Uncertain significance (1 of 4 stars; one submission).

Conditions:
Epileptic encephalopathy. Identifiers: MedGen C0543888, HP:0200134.

Allele frequency attached by ClinVar (database versions not stated): gnomAD 0.00029 and 0.00030; 1000 Genomes Project 0.00060; gnomAD exomes 0.00003 and 0.00005; ExAC 0.00019; TOPMed 0.00033; 1000 Genomes Project 30x 0.00062; ESP Exome Variant Server 0.00040.
gnomAD v4.1: 84 of 1,552,966 alleles (0.0054%); highest among the groups gnomAD compares: African/African-American, 0.1%; no homozygotes.

Submission:

Labcorp Genetics (formerly Invitae), Labcorp
Classification: Uncertain significance for Epileptic encephalopathy. Last evaluated: 2024-02-24. Review status: criteria provided, single submitter. Criteria: Invitae Variant Classification Sherloc (09022015). Collection method: clinical testing. Allele origin: germline.
Comment: This sequence change replaces valine, which is neutral and non-polar, with isoleucine, which is neutral and non-polar, at codon 3766 of the RYR3 protein (p.Val3766Ile). This variant is present in population databases (rs140386682, gnomAD 0.07%), and has an allele count higher than expected for a pathogenic variant. This variant has not been reported in the literature in individuals affected with RYR3-related conditions. ClinVar contains an entry for this variant (Variation ID: 577116). Algorithms developed to predict the effect of missense changes on protein structure and function output the following: SIFT: "Not Available"; PolyPhen-2: "Benign"; Align-GVGD: "Not Available". The isoleucine amino acid residue is found in multiple mammalian species, which suggests that this missense change does not adversely affect protein function. In summary, the available evidence is currently insufficient to determine the role of this variant in disease. Therefore, it has been classified as a Variant of Uncertain Significance.